The following is an entry in ClinVar:

NM_000138.5(FBN1):c.5588G>A (p.Gly1863Glu)

Gene: FBN1 (fibrillin 1; minus strand). Cytogenetic location: 15q21.1.
Variant type: single nucleotide variant.
Coding change: c.5588G>A on transcript NM_000138.5 (MANE Select); coding-DNA position 5588, G replaced by A.
Protein change: p.Gly1863Glu; replaces glycine 1863 with glutamic acid.
Molecular consequence: missense variant.
Genome position (GRCh38, 1-based): chr15:48,448,851, C>T on the plus strand (G>A on the coding strand, the complement: FBN1 is on the minus strand). VCF-style: chr15-48448851-C-T. GRCh37 (hg19) VCF-style: chr15-48741048-C-T.
Other names: short protein forms G1863E.
Identifiers: ClinVar variation 42388 (VCV000042388.12), dbSNP rs113086760, ClinGen allele CA015911.

ClinVar aggregate classification (germline): Pathogenic/Likely pathogenic. Review status: criteria provided, multiple submitters, no conflicts (2 of 4 stars). 3 submissions from 3 submitters: Pathogenic (2); Likely pathogenic (1). Last evaluated 2025-09-10.

Conditions:
Marfan syndrome (MFS). Also called: FBN1-Related Marfan Syndrome; Marfan syndrome, classic; MARFAN SYNDROME, TYPE I; Marfan syndrome type 1; Marfan's syndrome. Identifiers: Orphanet 284963, Orphanet 558, MedGen C0024796, MONDO:0007947, OMIM 154700.
Familial thoracic aortic aneurysm and aortic dissection (TAAD). Also called: Thoracic aortic aneurysms and dissections. Identifiers: Orphanet 91387, MedGen C4707243, MONDO:0019625.

Submissions (3):

Genomic Medicine Center of Excellence, King Faisal Specialist Hospital and Research Centre
Classification: Pathogenic for Marfan syndrome. Last evaluated: 2025-09-10. Review status: criteria provided, single submitter. Criteria: ACMG Guidelines, 2015. Collection method: clinical testing. Allele origin: germline.

Labcorp Genetics (formerly Invitae), Labcorp
Classification: Pathogenic for Marfan syndrome; Familial thoracic aortic aneurysm and aortic dissection. Last evaluated: 2024-06-17. Review status: criteria provided, single submitter. Criteria: Invitae Variant Classification Sherloc (09022015). Collection method: clinical testing. Allele origin: germline.
Comment: This sequence change replaces glycine, which is neutral and non-polar, with glutamic acid, which is acidic and polar, at codon 1863 of the FBN1 protein (p.Gly1863Glu). This variant is not present in population databases (gnomAD no frequency). This missense change has been observed in individuals with clinical features of Marfan syndrome (PMID: 25652356; Invitae). ClinVar contains an entry for this variant (Variation ID: 42388). Advanced modeling of protein sequence and biophysical properties (such as structural, functional, and spatial information, amino acid conservation, physicochemical variation, residue mobility, and thermodynamic stability) performed at Invitae indicates that this missense variant is expected to disrupt FBN1 protein function with a positive predictive value of 95%. For these reasons, this variant has been classified as Pathogenic.

Laboratory for Molecular Medicine, Mass General Brigham Personalized Medicine
Classification: Likely pathogenic for Marfan syndrome. Last evaluated: 2016-07-14. Review status: criteria provided, single submitter. Criteria: LMM Criteria. Collection method: clinical testing. Allele origin: germline. Inheritance: Autosomal dominant inheritance. Observed: 4 variant alleles.
Comment: The p.Gly1863Glu variant in FBN1 has been identified in 2 individuals with Marfa n syndrome, and segregated with disease in 7 affected relatives from 2 families (including 1 obligate carrier; Baudhuin 2015, LMM Data). This variant was absent from 2 large population databases (ExAC and ESP). However, this variant has bee n identified in 0.4% (4/1094) of chromosomes from an unspecified population, tho ugh it is possible this is a clinical cohort (dbSNP rs113086760). Computational prediction tools and conservation analysis suggest that this variant may impact the protein, though this information is not predictive enough to determine patho genicity. In summary, although additional studies are required to fully establis h its clinical significance, the p.Gly1863Glu variant meets criteria to be class ified as likely pathogenic for Marfan syndrome in an autosomal dominant based up on segregation studies.

Literature cited by the submitters: PubMed 25652356 (cited by Labcorp Genetics (formerly Invitae), Labcorp and Laboratory for Molecular Medicine, Mass General Brigham Personalized Medicine).